The following is an entry in ClinVar:

NM_005918.4(MDH2):c.734-3T>C

Gene: MDH2 (malate dehydrogenase 2; plus strand). Cytogenetic location: 7q11.23.
Variant type: single nucleotide variant.
Coding change: c.734-3T>C on transcript NM_005918.4 (MANE Select); 3 bases into the intron before coding-DNA position 734, T replaced by C.
Molecular consequence: intron variant.
Genome position (GRCh38, 1-based): chr7:76,064,799, T>C. VCF-style: chr7-76064799-T-C. GRCh37 (hg19) VCF-style: chr7-75694117-T-C.
Other names: c.608-3T>C (NM_001282403.2); c.413-3T>C (NM_001282404.2).
Identifiers: ClinVar variation 2798259 (VCV002798259.3), dbSNP rs782574591, ClinGen allele CA2683391003.
Genomic context (GRCh38, chr7:76,064,799, plus strand): 5'-GCCGGCTCACCTGGGCGTCACGTTTGTGGCACCAGCCAGGCTGACCTGTCTGTGCCCCCC[T>C]AGGCTCTGCCACCCTCTCCATGGCGTATGCCGGCGCCCGCTTTGTCTTCTCCCTTGTGGA-3'

ClinVar aggregate classification (germline): Uncertain significance (1 of 4 stars; one submission).

Allele frequency attached by ClinVar (database versions not stated): gnomAD exomes below 0.00001.
gnomAD v4.1: 1 of 1,612,888 alleles (0.000062%); highest among the groups gnomAD compares: South Asian, 0.0011%; no homozygotes.

Submission:

Labcorp Genetics (formerly Invitae), Labcorp
Classification: Uncertain significance. Last evaluated: 2023-12-27. Review status: criteria provided, single submitter. Criteria: Invitae Variant Classification Sherloc (09022015). Collection method: clinical testing. Allele origin: germline.
Comment: This sequence change falls in intron 7 of the MDH2 gene. It does not directly change the encoded amino acid sequence of the MDH2 protein. It affects a nucleotide within the consensus splice site. This variant is not present in population databases (gnomAD no frequency). This variant has not been reported in the literature in individuals affected with MDH2-related conditions. Variants that disrupt the consensus splice site are a relatively common cause of aberrant splicing (PMID: 17576681, 9536098). Algorithms developed to predict the effect of sequence changes on RNA splicing suggest that this variant is not likely to affect RNA splicing. In summary, the available evidence is currently insufficient to determine the role of this variant in disease. Therefore, it has been classified as a Variant of Uncertain Significance.

Literature cited by the submitters: PubMed 17576681; PubMed 9536098.